The following is an entry in ClinVar:

ClinVar aggregate classification (germline): Conflicting classifications of pathogenicity. Review status: criteria provided, conflicting classifications (1 of 4 stars). 5 submissions from 5 submitters: Pathogenic (1); Uncertain significance (4). Last evaluated 2026-04-21.

Conditions:
BBS4-related disorder. Also called: BBS4-related condition.
Bardet-Biedl syndrome (BBS). Identifiers: Orphanet 110, MedGen C0752166, MONDO:0015229.
Retinitis pigmentosa (RP). Identifiers: Orphanet 791, MedGen C0035334, MeSH D012174, MONDO:0019200, OMIM 268000. Inheritance: Autosomal dominant, autosomal recessive and X linked inheritance.

Allele frequency attached by ClinVar (database versions not stated): gnomAD exomes 0.00003 and 0.00010; gnomAD 0.00011; TOPMed 0.00018; ExAC 0.00023; 1000 Genomes Project 30x 0.00031.

Submissions (5):

PreventionGenetics, part of Exact Sciences
Classification: Uncertain significance for BBS4-related condition. Last evaluated: 2026-04-21. Review status: criteria provided, single submitter. Criteria: ACMG Guidelines, 2015. Collection method: clinical testing. Allele origin: germline.
Comment: The BBS4 c.1541_1551del11 variant is predicted to result in a frameshift and premature protein termination (p.Glu514Glyfs*7). This variant resides at the end of the terminal exon of BBS4 and although it disrupts the final residues of the exon, the protein coding length is preserved (i.e., no truncation or extension). This variant was reported in the heterozygous state in an individual with retinitis pigmentosa, but no second variant was found in this gene (Weisschuh et al 2020. PubMed ID: 32531858). This variant is reported in 0.026% of alleles in individuals of Latino descent in gnomAD. At this time, the clinical significance of this variant is uncertain due to the absence of conclusive functional and genetic evidence.

Women's Health and Genetics/Laboratory Corporation of America, LabCorp
Classification: Uncertain significance. Last evaluated: 2025-11-10. Review status: criteria provided, single submitter. Criteria: LabCorp Variant Classification Summary - May 2015. Collection method: clinical testing. Allele origin: germline.
Comment: Variant summary: BBS4 c.1541_1551del11 (p.Glu514GlyfsX7) causes a frameshift which results in an extension of the protein. The variant allele was found at a frequency of 0.0001 in 242404 control chromosomes. This frequency is not significantly higher than estimated for disease-causing variants in BBS4, allowing no conclusion about variant significance. Elongations of the protein have not been associated with Bardet-Biedl Syndrome in HGMD. c.1541_1551del11 has been reported in the literature in an individual affected with inherited retinal degeneration, however this individual did not have a second pathogenic variant in this gene (example: Weisschuh_2020). These report(s) do not provide unequivocal conclusions about association of the variant with Bardet-Biedl Syndrome. To our knowledge, no experimental evidence demonstrating an impact on protein function has been reported. The following publication have been ascertained in the context of this evaluation (PMID: 32531858). ClinVar contains an entry for this variant (Variation ID: 813021). Based on the evidence outlined above, the variant was classified as uncertain significance.

Blueprint Genetics
Classification: Uncertain significance. Last evaluated: 2023-11-14. Review status: criteria provided, single submitter. Criteria: ACMG Guidelines, 2015. Collection method: clinical testing. Allele origin: germline.

Labcorp Genetics (formerly Invitae), Labcorp
Classification: Uncertain significance for Bardet-Biedl syndrome. Last evaluated: 2022-07-19. Review status: criteria provided, single submitter. Criteria: Invitae Variant Classification Sherloc (09022015). Collection method: clinical testing. Allele origin: germline.
Comment: This sequence change creates a premature translational stop signal (p.Glu514Glyfs*7) in the BBS4 gene. While this is not anticipated to result in nonsense mediated decay, it is expected to disrupt the last 6 amino acid(s) of the BBS4 protein. This variant is present in population databases (rs748758201, gnomAD 0.03%). This premature translational stop signal has been observed in individual(s) with inherited retinal degeneration (PMID: 32531858). ClinVar contains an entry for this variant (Variation ID: 813021). Experimental studies and prediction algorithms are not available or were not evaluated, and the functional significance of this variant is currently unknown. In summary, the available evidence is currently insufficient to determine the role of this variant in disease. Therefore, it has been classified as a Variant of Uncertain Significance.

Molecular Genetics Laboratory, Institute for Ophthalmic Research
Classification: Pathogenic for Retinitis pigmentosa. Last evaluated: 2020-01-09. Review status: criteria provided, single submitter. Criteria: ACMG Guidelines, 2015. Collection method: research. Allele origin: germline. Affected: yes.

Literature cited by the submitters: PubMed 32531858 (cited by Women's Health and Genetics/Laboratory Corporation of America, LabCorp and Labcorp Genetics (formerly Invitae), Labcorp).

NM_033028.5(BBS4):c.1541_1551del (p.Glu514fs)

Gene: BBS4 (Bardet-Biedl syndrome 4; plus strand). Cytogenetic location: 15q24.1.
Variant type: Deletion.
Coding change: c.1541_1551del on transcript NM_033028.5 (MANE Select); coding-DNA positions 1541 to 1551, 11 bases deleted (AACAAATAAGA).
Protein change: p.Glu514fs; shifts the reading frame from glutamic acid 514.
Molecular consequence: frameshift variant. On other transcripts: non-coding transcript variant (2).
Genome position (GRCh38, 1-based): chr15:72,737,568-72,737,578, AACAAATAAGA deleted. VCF-style (leftmost placement, unchanged base first): chr15-72737567-GAACAAATAAGA-G. GRCh37 (hg19) VCF-style: chr15-73029908-GAACAAATAAGA-G.
Other names: c.1541_1551del11 (NM_033028.4, NM_033028.5); c.1025_1035del, p.Glu342fs (NM_001252678.2); c.1472_1482del, p.Glu491fs (NM_001320665.2); short protein forms E491fs, E342fs, E514fs.
Identifiers: ClinVar variation 813021 (VCV000813021.10), dbSNP rs748758201, ClinGen allele CA7647062.